The following is an entry in ClinVar:

ClinVar aggregate classification (germline): Likely benign (0 of 4 stars; one submission).

Conditions:
NRP2-related disorder. Also called: NRP2-related condition.

gnomAD v4.1: 40 of 1,612,898 alleles (0.0025%); highest among the groups gnomAD compares: Non-Finnish European, 0.0033%; no homozygotes.

Submission:

PreventionGenetics, part of Exact Sciences
Classification: Likely benign for NRP2-related condition. Last evaluated: 2021-09-20. Review status: no assertion criteria provided. Collection method: clinical testing. Allele origin: germline.
Comment: This variant is classified as likely benign based on ACMG/AMP sequence variant interpretation guidelines (Richards et al. 2015 PMID: 25741868, with internal and published modifications).

NM_003872.3(NRP2):c.433+8T>G

Gene: NRP2 (neuropilin 2; plus strand). Cytogenetic location: 2q33.3.
Variant type: single nucleotide variant.
Coding change: c.433+8T>G on transcript NM_003872.3 (MANE Select); 8 bases into the intron after coding-DNA position 433, T replaced by G.
Molecular consequence: intron variant.
Genome position (GRCh38, 1-based): chr2:205,716,382, T>G. VCF-style: chr2-205716382-T-G. GRCh37 (hg19) VCF-style: chr2-206581106-T-G.
Other names: c.433+8T>G (NM_201266.2, NM_201279.2, NM_018534.4 and 2 more transcripts).
Identifiers: ClinVar variation 3350955 (VCV003350955.1).
Genomic context (GRCh38, chr2:205,716,382, plus strand): 5'-CTACGCCCGGCAGGGGGCAGGCTTCTCTCTGCGCTACGAGATCTTCAAGACAGGTCAGTG[T>G]GGTCACACGTAGGGGCCGGGAGATGGGCGTCTTAGAGAAGAAGGAGGGACAGCACCCAGT-3'